The following is an entry in ClinVar:

NM_001009944.3(PKD1):c.910C>T (p.Arg304Cys)

Gene: PKD1 (polycystin 1, transient receptor potential channel interacting; minus strand). Cytogenetic location: 16p13.3.
Variant type: single nucleotide variant.
Coding change: c.910C>T on transcript NM_001009944.3 (MANE Select); coding-DNA position 910, C replaced by T.
Protein change: p.Arg304Cys; replaces arginine 304 with cysteine.
Molecular consequence: missense variant.
Genome position (GRCh38, 1-based): chr16:2,118,082, G>A on the plus strand (C>T on the coding strand, the complement: PKD1 is on the minus strand). VCF-style: chr16-2118082-G-A. GRCh37 (hg19) VCF-style: chr16-2168083-G-A.
Other names: c.910C>T, p.Arg304Cys (NM_000296.4); short protein forms R304C.
Identifiers: ClinVar variation 997326 (VCV000997326.2), dbSNP rs543328728, ClinGen allele CA7833637.

ClinVar aggregate classification (germline): Likely benign. Review status: criteria provided, single submitter (1 of 4 stars). 2 submissions from 2 submitters: Likely benign (1). 1 of the submissions does not count toward it. Last evaluated 2021-12-08.

Conditions:
Polycystic kidney disease, adult type (PKD1). Also called: POLYCYSTIC KIDNEY DISEASE, ADULT, TYPE I; Polycystic Kidney Disease 1, Autosomal Dominant; Polycystic kidney disease 1; Polycystic kidney disease 1, severe; Polycystic Kidney, Autosomal Dominant; POLYCYSTIC KIDNEY DISEASE 1 WITH OR WITHOUT POLYCYSTIC LIVER DISEASE. Identifiers: MedGen C3149841, MONDO:0008263, OMIM 173900.
Polycystic kidney disease. Also called: Polycystic kidney dysplasia; Kidney, Polycystic. Identifiers: MedGen C0022680, MeSH D007690, MONDO:0020642, HP:0000113.

Allele frequency attached by ClinVar (database versions not stated): gnomAD 0.00006 and 0.00009; TOPMed 0.00010; ExAC 0.00024; 1000 Genomes Project 30x 0.00094; 1000 Genomes Project 0.00100.

Submissions (2):

Fulgent Genetics
Classification: Likely benign for Polycystic kidney disease, adult type. Last evaluated: 2021-12-08. Review status: criteria provided, single submitter. Criteria: ACMG Guidelines, 2015. Collection method: clinical testing. Allele origin: unknown.

Department of Pathology and Laboratory Medicine, Sinai Health System
Classification: Likely benign for Polycystic Kidney disease. Review status: no assertion criteria provided. Collection method: clinical testing. Allele origin: unknown. Affected: yes. Study: The Canadian Open Genetics Repository (COGR). Not counted in ClinVar's aggregate classification.
Comment: The PKD1 p.Arg304Cys variant was not identified in the literature nor was it identified in the ClinVar, COGR, LOVD 3.0, ADPKD Mutation Database, or PKD1-LOVD databases. The variant was identified in dbSNP (ID: rs543328728) as â€šÃ„ÃºNAâ€šÃ„Ã¹. The variant was identified in control databases in 19 of 217304 chromosomes at a frequency of 0.000087 (Genome Aggregation Database Feb 27, 2017). Observation by population include African in 3 of 12332 chromosomes (freq: 0.000243), Latino in 6 of 32330 chromosomes (freq: 0.000186), European (Non-Finnish) in 4 of 96552 chromosomes (freq: 0.000041), and South Asian in 6 of 28998 chromosomes (freq: 0.000207); it was not observed in the â€šÃ„ÃºOtherâ€šÃ„Ã¹, Ashkenazi Jewish, East Asian, or European (Finnish) populations. The variant was identified with a co-occurring pathogenic PKD1 variant (p.His1347GlnfsX83), increasing the likelihood that the p.Arg304Cys variant does not have clinical significance. The p.Arg304 residue is not conserved in mammals and the variant amino acid Cysteine (Cys) is present in rats, increasing the likelihood that this variant does not have clinical significance. Four out of five computational analyses (PolyPhen-2, SIFT, AlignGVGD, BLOSUM, MutationTaster) do not suggest a high likelihood of impact to the protein; however, this information is not predictive enough to rule out pathogenicity. The variant occurs outside of the splicing consensus sequence and in silico or computational prediction software programs (SpliceSiteFinder, MaxEntScan, NNSPLICE, GeneSplicer, HumanSpliceFinder) do not predict a difference in splicing. In summary, based on the above information the clinical significance of this variant cannot be determined with certainty at this time although we would lean towards a more benign role for this variant. This variant is classified as likely benign.